The following is an entry in ClinVar:

NM_006393.3(NEBL):c.967del (p.Glu323fs)

Gene: NEBL (nebulette; minus strand). Cytogenetic location: 10p12.31.
Variant type: Deletion.
Coding change: c.967del on transcript NM_006393.3 (MANE Select); coding-DNA position 967, one base deleted (G; older notation c.967delG).
Protein change: p.Glu323fs; shifts the reading frame from glutamic acid 323.
Molecular consequence: frameshift variant. On other transcripts: intron variant (9).
Genome position (GRCh38, 1-based): chr10:20,852,586, C deleted on the plus strand (G on the coding strand, the reverse complement: NEBL is on the minus strand); the first of 2 consecutive C bases (chr10:20,852,586-20,852,587); deleting either gives the same sequence. VCF-style (leftmost placement, unchanged base first): chr10-20852585-TC-T. GRCh37 (hg19) VCF-style: chr10-21141514-TC-T.
Other names: c.250-39646del (NM_001377327.1, NM_001377328.1, NM_001377326.1); c.358-39646del (NM_213569.2, NM_001173484.2, NM_001377322.1); c.301-39646del (NM_001377324.1); c.292-39646del (NM_001377325.1); c.310-39646del (NM_001377323.1); short protein forms E323fs.
Identifiers: ClinVar variation 3640613 (VCV003640613.2).

ClinVar aggregate classification (germline): Uncertain significance (1 of 4 stars; one submission).

Conditions:
Primary dilated cardiomyopathy (DCM). Also called: Dilated Cardiomyopathy. Identifiers: Orphanet 217604, MedGen C0007193, MeSH D002311, MONDO:0005021, HP:0001644. Inheritance: Various modes of inheritance.

Submission:

Labcorp Genetics (formerly Invitae), Labcorp
Classification: Uncertain significance for Primary dilated cardiomyopathy. Last evaluated: 2024-02-21. Review status: criteria provided, single submitter. Criteria: Invitae Variant Classification Sherloc (09022015). Collection method: clinical testing. Allele origin: germline.
Comment: This sequence change creates a premature translational stop signal (p.Glu323Asnfs*15) in the NEBL gene. It is expected to result in an absent or disrupted protein product. However, the current clinical and genetic evidence is not sufficient to establish whether loss-of-function variants in NEBL cause disease. This variant is not present in population databases (gnomAD no frequency). This variant has not been reported in the literature in individuals affected with NEBL-related conditions. In summary, the available evidence is currently insufficient to determine the role of this variant in disease. Therefore, it has been classified as a Variant of Uncertain Significance.